The following is an entry in ClinVar:

ClinVar aggregate classification (germline): Likely benign (0 of 4 stars; one submission).

Conditions:
AFF4-related disorder. Also called: AFF4-related condition.

gnomAD v4.1: 6 of 1,613,960 alleles (0.00037%); highest among the groups gnomAD compares: African/African-American, 0.0067%; no homozygotes.

Submission:

PreventionGenetics, part of Exact Sciences
Classification: Likely benign for AFF4-related condition. Last evaluated: 2022-06-21. Review status: no assertion criteria provided. Collection method: clinical testing. Allele origin: germline.
Comment: This variant is classified as likely benign based on ACMG/AMP sequence variant interpretation guidelines (Richards et al. 2015 PMID: 25741868, with internal and published modifications).

NM_014423.4(AFF4):c.2085T>A (p.Pro695=)

Gene: AFF4 (ALF transcription elongation factor 4; minus strand). Cytogenetic location: 5q31.1.
Variant type: single nucleotide variant.
Coding change: c.2085T>A on transcript NM_014423.4 (MANE Select); coding-DNA position 2085, T replaced by A.
Protein change: p.Pro695=; no amino-acid change (proline 695 retained).
Molecular consequence: synonymous variant.
Genome position (GRCh38, 1-based): chr5:132,896,545, A>T on the plus strand (T>A on the coding strand, the complement: AFF4 is on the minus strand). VCF-style: chr5-132896545-A-T. GRCh37 (hg19) VCF-style: chr5-132232237-A-T.
Identifiers: ClinVar variation 3351402 (VCV003351402.1).